The following is an entry in ClinVar:

NM_001197104.2(KMT2A):c.1370G>C (p.Gly457Ala)

Gene: KMT2A (lysine methyltransferase 2A; plus strand). Cytogenetic location: 11q23.3.
Variant type: single nucleotide variant.
Coding change: c.1370G>C on transcript NM_001197104.2 (MANE Select); coding-DNA position 1370, G replaced by C.
Protein change: p.Gly457Ala; replaces glycine 457 with alanine.
Molecular consequence: missense variant.
Genome position (GRCh38, 1-based): chr11:118,472,529, G>C. VCF-style: chr11-118472529-G-C. GRCh37 (hg19) VCF-style: chr11-118343244-G-C.
Other names: c.1370G>C, p.Gly457Ala (NM_005933.4); short protein forms G457A.
Identifiers: ClinVar variation 1700863 (VCV001700863.2), dbSNP rs2134261486, ClinGen allele CA382809968.

ClinVar aggregate classification (germline): Uncertain significance (1 of 4 stars; one submission).

Submission:

GeneDx
Classification: Uncertain significance. Last evaluated: 2022-02-09. Review status: criteria provided, single submitter. Criteria: GeneDx Variant Classification Process June 2021. Collection method: clinical testing. Allele origin: germline. Affected: yes.
Comment: Not observed at significant frequency in large population cohorts (gnomAD); In silico analysis supports that this missense variant does not alter protein structure/function; Has not been previously published as pathogenic or benign to our knowledge